The following is an entry in ClinVar:

NM_001142800.2(EYS):c.630C>A (p.Tyr210Ter)

Gene: EYS (EGF-like photoreceptor maintenance factor; minus strand). Cytogenetic location: 6q12.
Variant type: single nucleotide variant.
Coding change: c.630C>A on transcript NM_001142800.2 (MANE Select); coding-DNA position 630, C replaced by A.
Protein change: p.Tyr210Ter; replaces tyrosine 210 with a stop codon.
Molecular consequence: nonsense.
Genome position (GRCh38, 1-based): chr6:65,494,781, G>T on the plus strand (C>A on the coding strand, the complement: EYS is on the minus strand). VCF-style: chr6-65494781-G-T. GRCh37 (hg19) VCF-style: chr6-66204674-G-T.
Other names: c.630C>A, p.Tyr210Ter (NM_001142801.2, NM_001292009.2, NM_198283.2); short protein forms Y210*.
Identifiers: ClinVar variation 1074030 (VCV001074030.7), dbSNP rs1469481918, ClinGen allele CA364789488.

ClinVar aggregate classification (germline): Pathogenic (1 of 4 stars; one submission).

Submission:

Labcorp Genetics (formerly Invitae), Labcorp
Classification: Pathogenic. Last evaluated: 2021-02-26. Review status: criteria provided, single submitter. Criteria: Invitae Variant Classification Sherloc (09022015). Collection method: clinical testing. Allele origin: germline.
Comment: For these reasons, this variant has been classified as Pathogenic. This sequence change creates a premature translational stop signal (p.Tyr210*) in the EYS gene. It is expected to result in an absent or disrupted protein product. Loss-of-function variants in EYS are known to be pathogenic (PMID: 18836446, 20333770). This variant is not present in population databases (ExAC no frequency). This variant has not been reported in the literature in individuals with EYS-related conditions.

Literature cited by the submitters: PubMed 18836446; PubMed 20333770.